The following is an entry in ClinVar:

ClinVar aggregate classification (germline): Uncertain significance (1 of 4 stars; one submission).

Conditions:
Rubinstein-Taybi syndrome (RSTS). Identifiers: Orphanet 783, MedGen C0035934, MONDO:0019188.

Submission:

Labcorp Genetics (formerly Invitae), Labcorp
Classification: Uncertain significance for Rubinstein-Taybi syndrome. Last evaluated: 2022-09-06. Review status: criteria provided, single submitter. Criteria: Invitae Variant Classification Sherloc (09022015). Collection method: clinical testing. Allele origin: germline.
Comment: This sequence change replaces glutamine, which is neutral and polar, with glutamic acid, which is acidic and polar, at codon 1970 of the CREBBP protein (p.Gln1970Glu). This variant is not present in population databases (gnomAD no frequency). This variant has not been reported in the literature in individuals affected with CREBBP-related conditions. Advanced modeling of protein sequence and biophysical properties (such as structural, functional, and spatial information, amino acid conservation, physicochemical variation, residue mobility, and thermodynamic stability) performed at Invitae indicates that this missense variant is not expected to disrupt CREBBP protein function. In summary, the available evidence is currently insufficient to determine the role of this variant in disease. Therefore, it has been classified as a Variant of Uncertain Significance.

NM_004380.3(CREBBP):c.5908C>G (p.Gln1970Glu)

Gene: CREBBP (CREB binding lysine acetyltransferase; minus strand). Cytogenetic location: 16p13.3.
Variant type: single nucleotide variant.
Coding change: c.5908C>G on transcript NM_004380.3 (MANE Select); coding-DNA position 5908, C replaced by G.
Protein change: p.Gln1970Glu; replaces glutamine 1970 with glutamic acid.
Molecular consequence: missense variant.
Genome position (GRCh38, 1-based): chr16:3,729,139, G>C on the plus strand (C>G on the coding strand, the complement: CREBBP is on the minus strand). VCF-style: chr16-3729139-G-C. GRCh37 (hg19) VCF-style: chr16-3779140-G-C.
Other names: c.5794C>G, p.Gln1932Glu (NM_001079846.1); short protein forms Q1932E, Q1970E.
Identifiers: ClinVar variation 1718064 (VCV001718064.5), dbSNP rs2151307388, ClinGen allele CA394555024.
Genomic context (GRCh38, chr16:3,729,139, plus strand): 5'-TCCCCATGCCCGTGCGTCCTGGGGGCATGCTGTTGTTGATGTTCACCCGGTACAGGTGCT[G>C]CTGCTGCTGGGCCTCACGCTCGATCTGCCGAGCCGCTTCCACCGCTGCAGGAGGGGGCTG-3'
Protein context (NP_004371.2, residues 1960-1980): RQIEREAQQQ[Gln1970Glu]HLYRVNINNS